The following is an entry in ClinVar:

ClinVar aggregate classification (germline): Uncertain significance (1 of 4 stars; one submission).

gnomAD v4.1: 23 of 1,613,912 alleles (0.0014%); highest among the groups gnomAD compares: African/African-American, 0.0027%; no homozygotes.

Submission:

Labcorp Genetics (formerly Invitae), Labcorp
Classification: Uncertain significance. Last evaluated: 2025-07-29. Review status: criteria provided, single submitter. Criteria: Invitae Variant Classification Sherloc (09022015). Collection method: clinical testing. Allele origin: germline.
Comment: This sequence change replaces proline, which is neutral and non-polar, with alanine, which is neutral and non-polar, at codon 32 of the TNFRSF11A protein (p.Pro32Ala). This variant is not present in population databases (gnomAD no frequency). This variant has not been reported in the literature in individuals affected with TNFRSF11A-related conditions. Invitae Evidence Modeling of protein sequence and biophysical properties (such as structural, functional, and spatial information, amino acid conservation, physicochemical variation, residue mobility, and thermodynamic stability) has been performed for this missense variant. However, the output from this modeling did not meet the statistical confidence thresholds required to predict the impact of this variant on TNFRSF11A protein function. In summary, the available evidence is currently insufficient to determine the role of this variant in disease. Therefore, it has been classified as a Variant of Uncertain Significance.

NM_003839.4(TNFRSF11A):c.94C>G (p.Pro32Ala)

Gene: TNFRSF11A (TNF receptor superfamily member 11a; plus strand). Cytogenetic location: 18q21.33.
Variant type: single nucleotide variant.
Coding change: c.94C>G on transcript NM_003839.4 (MANE Select); coding-DNA position 94, C replaced by G.
Protein change: p.Pro32Ala; replaces proline 32 with alanine.
Molecular consequence: missense variant.
Genome position (GRCh38, 1-based): chr18:62,348,186, C>G. VCF-style: chr18-62348186-C-G. GRCh37 (hg19) VCF-style: chr18-60015419-C-G.
Other names: c.94C>G, p.Pro32Ala (NM_001270949.2, NM_001270950.2, NM_001270951.2 and 1 more transcripts); short protein forms P32A.
Identifiers: ClinVar variation 4708505 (VCV004708505.1).
Genomic context (GRCh38, chr18:62,348,186, plus strand): 5'-GAGCTGTGTGGACTCTCTGCCTGACCTCAGTGTTCTTTTCAGGTGGCTTTGCAGATCGCT[C>G]CTCCATGTACCAGTGAGAAGCATTATGAGCATCTGGGACGGTGCTGTAACAAATGTGAAC-3'
Protein context (NP_003830.1, residues 22-42): ARLQVALQIA[Pro32Ala]PCTSEKHYEH